The following is an entry in ClinVar:

NM_006734.4(HIVEP2):c.59A>G (p.Asp20Gly)

Gene: HIVEP2 (HIVEP zinc finger 2; minus strand). Cytogenetic location: 6q24.2.
Variant type: single nucleotide variant.
Coding change: c.59A>G on transcript NM_006734.4 (MANE Select); coding-DNA position 59, A replaced by G.
Protein change: p.Asp20Gly; replaces aspartic acid 20 with glycine.
Molecular consequence: missense variant.
Genome position (GRCh38, 1-based): chr6:142,774,680, T>C on the plus strand (A>G on the coding strand, the complement: HIVEP2 is on the minus strand). VCF-style: chr6-142774680-T-C. GRCh37 (hg19) VCF-style: chr6-143095817-T-C.
Other names: c.59A>G (NM_006734.3); short protein forms D20G.
Identifiers: ClinVar variation 2008638 (VCV002008638.27), dbSNP rs767795855, ClinGen allele CA4028800.

ClinVar aggregate classification (germline): Uncertain significance. Review status: criteria provided, multiple submitters, no conflicts (2 of 4 stars). 3 submissions from 3 submitters: Uncertain significance (3). Last evaluated 2024-03-01.

Conditions:
Inborn genetic diseases. Identifiers: MedGen C0950123, MeSH D030342.

Allele frequency attached by ClinVar (database versions not stated): gnomAD exomes below 0.00001; ExAC 0.00001; gnomAD 0.00001.
gnomAD v4.1: 3 of 1,614,110 alleles (0.00019%); highest among the groups gnomAD compares: African/African-American, 0.0013%; no homozygotes.

Submissions (3):

CeGaT Center for Human Genetics Tuebingen
Classification: Uncertain significance. Last evaluated: 2024-03-01. Review status: criteria provided, single submitter. Criteria: CeGaT Center For Human Genetics Tuebingen Variant Classification Criteria Version 2. Collection method: clinical testing. Allele origin: germline. Affected: yes. Observed: 1 variant allele.
Comment: HIVEP2: PM2, BP4

Ambry Genetics
Classification: Uncertain significance for Inborn genetic diseases. Last evaluated: 2023-07-20. Review status: criteria provided, single submitter. Criteria: Ambry Variant Classification Scheme 2023. Collection method: clinical testing. Allele origin: germline.

Labcorp Genetics (formerly Invitae), Labcorp
Classification: Uncertain significance. Last evaluated: 2022-09-15. Review status: criteria provided, single submitter. Criteria: Invitae Variant Classification Sherloc (09022015). Collection method: clinical testing. Allele origin: germline.
Comment: This variant has not been reported in the literature in individuals affected with HIVEP2-related conditions. This sequence change replaces aspartic acid, which is acidic and polar, with glycine, which is neutral and non-polar, at codon 20 of the HIVEP2 protein (p.Asp20Gly). This variant is present in population databases (rs767795855, gnomAD 0.0009%). Algorithms developed to predict the effect of missense changes on protein structure and function (SIFT, PolyPhen-2, Align-GVGD) all suggest that this variant is likely to be tolerated. In summary, the available evidence is currently insufficient to determine the role of this variant in disease. Therefore, it has been classified as a Variant of Uncertain Significance.